The following is an entry in ClinVar:

NM_182476.3(COQ6):c.181C>T (p.His61Tyr)

Gene: COQ6 (coenzyme Q6, monooxygenase; plus strand). Cytogenetic location: 14q24.3.
Variant type: single nucleotide variant.
Coding change: c.181C>T on transcript NM_182476.3 (MANE Select); coding-DNA position 181, C replaced by T.
Protein change: p.His61Tyr; replaces histidine 61 with tyrosine.
Molecular consequence: missense variant.
Genome position (GRCh38, 1-based): chr14:73,953,452, C>T. VCF-style: chr14-73953452-C-T. GRCh37 (hg19) VCF-style: chr14-74420155-C-T.
Other names: c.106C>T, p.His36Tyr (NM_182480.3); short protein forms H61Y, H36Y.
Identifiers: ClinVar variation 1409264 (VCV001409264.8), dbSNP rs2140366860, ClinGen allele CA390373861.
Genomic context (GRCh38, chr14:73,953,452, plus strand): 5'-ATTCTTGATTTTCCTAAGATGATATAAATTTTCTTTTTTTAAGGATATGATATTCACTTT[C>T]ATGACAAGAAAATCCTGTTGCTCGAAGCAGGTCCAAAGAAAGTACTGGAGAAATTGTCAG-3'
Protein context (NP_872282.1, residues 51-71): ACALGYDIHF[His61Tyr]DKKILLLEAG

ClinVar aggregate classification (germline): Uncertain significance (1 of 4 stars; one submission).

Allele frequency attached by ClinVar (database versions not stated): gnomAD exomes below 0.00001.
gnomAD v4.1: 2 of 1,613,694 alleles (0.00012%); highest among the groups gnomAD compares: Non-Finnish European, 0.00017%; no homozygotes.

Submission:

Labcorp Genetics (formerly Invitae), Labcorp
Classification: Uncertain significance. Last evaluated: 2022-06-20. Review status: criteria provided, single submitter. Criteria: Invitae Variant Classification Sherloc (09022015). Collection method: clinical testing. Allele origin: germline.
Comment: In summary, the available evidence is currently insufficient to determine the role of this variant in disease. Therefore, it has been classified as a Variant of Uncertain Significance. This sequence change replaces histidine, which is basic and polar, with tyrosine, which is neutral and polar, at codon 61 of the COQ6 protein (p.His61Tyr). This variant is not present in population databases (gnomAD no frequency). This variant has not been reported in the literature in individuals affected with COQ6-related conditions. Algorithms developed to predict the effect of missense changes on protein structure and function (SIFT, PolyPhen-2, Align-GVGD) all suggest that this variant is likely to be tolerated.